The following is an entry in ClinVar:

NM_031220.4(PITPNM3):c.1258+5G>A

Gene: PITPNM3 (PITPNM family member 3; minus strand). Cytogenetic location: 17p13.2.
Variant type: single nucleotide variant.
Coding change: c.1258+5G>A on transcript NM_031220.4 (MANE Select); 5 bases into the intron after coding-DNA position 1258, G replaced by A.
Molecular consequence: intron variant.
Genome position (GRCh38, 1-based): chr17:6,474,427, C>T on the plus strand (G>A on the coding strand, the complement: PITPNM3 is on the minus strand). VCF-style: chr17-6474427-C-T. GRCh37 (hg19) VCF-style: chr17-6377747-C-T.
Other names: c.1150+5G>A (NM_001165966.2).
Identifiers: ClinVar variation 2961160 (VCV002961160.3), dbSNP rs1052371143, ClinGen allele CA287318050.
Genomic context (GRCh38, chr17:6,474,427, plus strand): 5'-AGGCCCTGACACGGTGGCCCTAGTGACGCACAGGCACCTCAGGCCCCAGCCCACACCATC[C>T]CTACCGTCCAGCCCAGGCAGCACCGTCCTCCGCATGGCCAGGACCAGGCCCAGTGGCGAG-3'

ClinVar aggregate classification (germline): Uncertain significance (1 of 4 stars; one submission).

Allele frequency attached by ClinVar (database versions not stated): TOPMed 0.00002.
gnomAD v4.1: 8 of 1,613,070 alleles (0.0005%); highest among the groups gnomAD compares: African/African-American, 0.0027%; no homozygotes.

Submission:

Labcorp Genetics (formerly Invitae), Labcorp
Classification: Uncertain significance. Last evaluated: 2023-12-23. Review status: criteria provided, single submitter. Criteria: Invitae Variant Classification Sherloc (09022015). Collection method: clinical testing. Allele origin: germline.
Comment: This sequence change falls in intron 10 of the PITPNM3 gene. It does not directly change the encoded amino acid sequence of the PITPNM3 protein. It affects a nucleotide within the consensus splice site. This variant is not present in population databases (gnomAD no frequency). This variant has not been reported in the literature in individuals affected with PITPNM3-related conditions. Variants that disrupt the consensus splice site are a relatively common cause of aberrant splicing (PMID: 17576681, 9536098). Algorithms developed to predict the effect of sequence changes on RNA splicing suggest that this variant may disrupt the consensus splice site. In summary, the available evidence is currently insufficient to determine the role of this variant in disease. Therefore, it has been classified as a Variant of Uncertain Significance.

Literature cited by the submitters: PubMed 17576681; PubMed 9536098.